The following is an entry in ClinVar:

NM_006013.5(RPL10):c.26A>G (p.Tyr9Cys)

Gene: RPL10 (ribosomal protein L10; plus strand). Cytogenetic location: Xq28.
Variant type: single nucleotide variant.
Coding change: c.26A>G on transcript NM_006013.5 (MANE Select); coding-DNA position 26, A replaced by G.
Protein change: p.Tyr9Cys; replaces tyrosine 9 with cysteine.
Molecular consequence: missense variant.
Genome position (GRCh38, 1-based): chrX:154,399,340, A>G. VCF-style: chrX-154399340-A-G. GRCh37 (hg19) VCF-style: chrX-153627681-A-G.
Other names: c.26A>G, p.Tyr9Cys (NM_001256577.2, NM_001256580.2, NM_001303624.2 and 2 more transcripts); short protein forms Y9C.
Identifiers: ClinVar variation 5020838 (VCV005020838.1).
Genomic context (GRCh38, chrX:154,399,340, plus strand): 5'-GTGCCTGTTGGGCTTTCTGTGAACCTCACCTAACCTGTGTTTTTTCACTCCCCTGCAGTT[A>G]CCGGTATTGTAAGAACAAGCCGTACCCAAAGTCTCGCTTCTGCCGAGGTGTCCCTGGTAA-3'
Protein context (NP_006004.3, residues 1-19): MGRRPARC[Tyr9Cys]RYCKNKPYPK

ClinVar aggregate classification (germline): Uncertain significance (1 of 4 stars; one submission).

Submission:

Dasa
Classification: Uncertain significance. Last evaluated: 2025-10-09. Review status: criteria provided, single submitter. Criteria: DASA Assertion Criteria. Collection method: clinical testing. Allele origin: germline.
Comment: NM_006013.5(RPL10):c.26A>G (p.Tyr9Cys) is a missense variant that results in the substitution of tyrosine with cysteine. This variant is absent from population databases. Computational prediction algorithms are consistent with a deleterious effect. The currently available literature and clinical evidence are not sufficient to establish a definitive association between this variant and the reported condition. Therefore, this variant is classified as a variant of uncertain significance.